The following is an entry in ClinVar:

ClinVar aggregate classification (germline): Uncertain significance. Review status: criteria provided, multiple submitters, no conflicts (2 of 4 stars). 2 submissions from 2 submitters: Uncertain significance (2). Last evaluated 2026-01-15.

Submissions (2):

Labcorp Genetics (formerly Invitae), Labcorp
Classification: Uncertain significance. Last evaluated: 2026-01-15. Review status: criteria provided, single submitter. Criteria: Invitae Variant Classification Sherloc (09022015). Collection method: clinical testing. Allele origin: germline.
Comment: This sequence change replaces alanine, which is neutral and non-polar, with valine, which is neutral and non-polar, at codon 278 of the IL6ST protein (p.Ala278Val). This variant is present in population databases (no rsID available, gnomAD 0.0009%). This variant has not been reported in the literature in individuals affected with IL6ST-related conditions. ClinVar contains an entry for this variant (Variation ID: 3860367). An algorithm developed to predict the effect of missense changes on protein structure and function outputs the following: PolyPhen-2: "Benign". The valine amino acid residue is found in multiple mammalian species, which suggests that this missense change does not adversely affect protein function. In summary, the available evidence is currently insufficient to determine the role of this variant in disease. Therefore, it has been classified as a Variant of Uncertain Significance.

Ambry Genetics
Classification: Uncertain significance. Last evaluated: 2025-01-18. Review status: criteria provided, single submitter. Criteria: Ambry Variant Classification Scheme 2023. Collection method: clinical testing. Allele origin: germline.

NM_002184.4(IL6ST):c.833C>T (p.Ala278Val)

Gene: IL6ST (interleukin 6 cytokine family signal transducer; minus strand). Cytogenetic location: 5q11.2.
Variant type: single nucleotide variant.
Coding change: c.833C>T on transcript NM_002184.4 (MANE Select); coding-DNA position 833, C replaced by T.
Protein change: p.Ala278Val; replaces alanine 278 with valine.
Molecular consequence: missense variant. On other transcripts: 5 prime UTR variant (3), non-coding transcript variant (2).
Genome position (GRCh38, 1-based): chr5:55,960,542, G>A on the plus strand (C>T on the coding strand, the complement: IL6ST is on the minus strand). VCF-style: chr5-55960542-G-A. GRCh37 (hg19) VCF-style: chr5-55256370-G-A.
Other names: c.833C>T, p.Ala278Val (NM_001190981.2, NM_001364275.2, NM_175767.3); c.623C>T, p.Ala208Val (NM_001364276.2); c.-81C>T (NM_001364277.2, NM_001364279.2); c.-71C>T (NM_001364278.2); short protein forms A278V, A208V.
Identifiers: ClinVar variation 3860367 (VCV003860367.2).